The following is an entry in ClinVar:

ClinVar aggregate classification (germline): Uncertain significance (1 of 4 stars; one submission).

Conditions:
Bloom syndrome (BLM). Also called: Bloom-Torre-Machacek syndrome. Identifiers: Orphanet 125, MedGen C0005859, MONDO:0008876, OMIM 210900.

Submission:

Labcorp Genetics (formerly Invitae), Labcorp
Classification: Uncertain significance for Bloom syndrome. Last evaluated: 2024-09-16. Review status: criteria provided, single submitter. Criteria: Invitae Variant Classification Sherloc (09022015). Collection method: clinical testing. Allele origin: germline.
Comment: This sequence change falls in intron 9 of the BLM gene. It does not directly change the encoded amino acid sequence of the BLM protein. This variant is not present in population databases (gnomAD no frequency). This variant has not been reported in the literature in individuals affected with BLM-related conditions. Algorithms developed to predict the effect of sequence changes on RNA splicing suggest that this variant may disrupt the consensus splice site. In summary, the available evidence is currently insufficient to determine the role of this variant in disease. Therefore, it has been classified as a Variant of Uncertain Significance.

NM_000057.4(BLM):c.2194-16C>G

Gene: BLM (BLM RecQ like helicase; plus strand). Cytogenetic location: 15q26.1.
Variant type: single nucleotide variant.
Coding change: c.2194-16C>G on transcript NM_000057.4 (MANE Select); 16 bases into the intron before coding-DNA position 2194, C replaced by G.
Molecular consequence: intron variant.
Genome position (GRCh38, 1-based): chr15:90,766,894, C>G. VCF-style: chr15-90766894-C-G. GRCh37 (hg19) VCF-style: chr15-91310124-C-G.
Other names: c.2194-16C>G (NM_001287246.2, NM_001287247.2); c.1069-16C>G (NM_001287248.2).
Identifiers: ClinVar variation 3717451 (VCV003717451.2).